The following is an entry in ClinVar:

NM_004924.6(ACTN4):c.170C>T (p.Thr57Met)

Gene: ACTN4 (actinin alpha 4; plus strand). Cytogenetic location: 19q13.2.
Variant type: single nucleotide variant.
Coding change: c.170C>T on transcript NM_004924.6 (MANE Select); coding-DNA position 170, C replaced by T.
Protein change: p.Thr57Met; replaces threonine 57 with methionine.
Molecular consequence: missense variant.
Genome position (GRCh38, 1-based): chr19:38,700,607, C>T. VCF-style: chr19-38700607-C-T. GRCh37 (hg19) VCF-style: chr19-39191247-C-T.
Other names: c.170C>T, p.Thr57Met (NM_001322033.2); short protein forms T57M.
Identifiers: ClinVar variation 981939 (VCV000981939.7), dbSNP rs768656011, ClinGen allele CA9417197.

ClinVar aggregate classification (germline): Uncertain significance. Review status: criteria provided, multiple submitters, no conflicts (2 of 4 stars). 3 submissions from 3 submitters: Uncertain significance (2). 1 of the submissions does not count toward it. Last evaluated 2025-08-30.

Conditions:
Inborn genetic diseases. Identifiers: MedGen C0950123, MeSH D030342.
Corticosteroids response. Also called: Corticosteroid response.

Allele frequency attached by ClinVar (database versions not stated): TOPMed below 0.00001; gnomAD 0.00001; gnomAD exomes 0.00001; ExAC 0.00002.
gnomAD v4.1: 12 of 1,613,646 alleles (0.00074%); highest among the groups gnomAD compares: South Asian, 0.0077%; no homozygotes.

Submissions (3):

Ambry Genetics
Classification: Uncertain significance for Inborn genetic diseases. Last evaluated: 2025-08-30. Review status: criteria provided, single submitter. Criteria: Ambry Variant Classification Scheme 2023. Collection method: clinical testing. Allele origin: germline.

Labcorp Genetics (formerly Invitae), Labcorp
Classification: Uncertain significance. Last evaluated: 2022-07-21. Review status: criteria provided, single submitter. Criteria: Invitae Variant Classification Sherloc (09022015). Collection method: clinical testing. Allele origin: germline.
Comment: In summary, the available evidence is currently insufficient to determine the role of this variant in disease. Therefore, it has been classified as a Variant of Uncertain Significance. Algorithms developed to predict the effect of missense changes on protein structure and function are either unavailable or do not agree on the potential impact of this missense change (SIFT: "Not Available"; PolyPhen-2: "Probably Damaging"; Align-GVGD: "Not Available"). ClinVar contains an entry for this variant (Variation ID: 981939). This variant has not been reported in the literature in individuals affected with ACTN4-related conditions. This variant is present in population databases (rs768656011, gnomAD 0.007%). This sequence change replaces threonine, which is neutral and polar, with methionine, which is neutral and non-polar, at codon 57 of the ACTN4 protein (p.Thr57Met).

Genetic Testing Lab, Ashok and Rita Patel Institute of Integrated Study and Research in Biotechnology and Allied Sciences
Classification: drug response for Corticosteroid response. Last evaluated: 2020-01-12. Review status: no assertion criteria provided. Collection method: research. Allele origin: somatic. Affected: yes. Observed: 37 variant alleles. Not counted in ClinVar's aggregate classification.
Comment: Depending upon response to standard corticosteroid therapy, patients were classified to be either Steroid resistant (SRNS) or steroid sensitive (SSNS). Patients in remission within 4 weeks of corticosteroid therapy were classified as steroid sensitive nephrotic syndrome (SSNS). Patients not in remission within 4 weeks of corticosteroid therapy were classified as Steroid resistant nephrotic syndrome (SRNS).